The following is an entry in ClinVar:

ClinVar aggregate classification (germline): Pathogenic (1 of 4 stars; one submission).

Conditions:
Polycystic kidney disease 2 (PKD2). Also called: Polycystic Kidney Disease 2, Autosomal Dominant; POLYCYSTIC KIDNEY DISEASE, ADULT, TYPE II; POLYCYSTIC KIDNEY DISEASE 2 WITH OR WITHOUT POLYCYSTIC LIVER DISEASE. Identifiers: MedGen C2751306, MONDO:0013131, OMIM 613095.

Submission:

Victorian Clinical Genetics Services, Murdoch Childrens Research Institute
Classification: Pathogenic for Polycystic kidney disease 2. Last evaluated: 2022-02-02. Review status: criteria provided, single submitter. Criteria: ACMG Guidelines, 2015. Collection method: clinical testing. Allele origin: germline. Inheritance: Autosomal dominant inheritance.
Comment: Based on the classification scheme VCGS_Germline_v1.3.4, this variant is classified as Pathogenic. Following criteria are met: 0102 - Loss of function is a known mechanism of disease in this gene and is associated with polycystic kidney disease 2 (MIIM#613095). (I) 0107 - This gene is associated with autosomal dominant disease. (I) 0201 - Variant is predicted to cause nonsense-mediated decay (NMD) and loss of protein (premature termination codon is located at least 54 nucleotides upstream of the final exon-exon junction). (SP) 0251 - This variant is heterozygous. (I) 0301 - Variant is absent from gnomAD (both v2 and v3). (SP) 0701 - Other NMD-predicted variants comparable to the one identified in this case have very strong previous evidence for pathogenicity. There are at least ten likely pathogenic and pathogenic NMD-predicted variants that have been reported (Decipher, ClinVar). (SP) 0807 - This variant has no previous evidence of pathogenicity. (I) 0905 - No published segregation evidence has been identified for this variant. (I) 1007 - No published functional evidence has been identified for this variant. (I) 1208 - Inheritance information for this variant is not currently available in this individual. (I) Legend: (SP) - Supporting pathogenic, (I) - Information, (SB) - Supporting benign

NM_000297.4(PKD2):c.1197del (p.Glu400fs)

Gene: PKD2 (polycystin 2, transient receptor potential cation channel; plus strand). Cytogenetic location: 4q22.1.
Variant type: Deletion.
Coding change: c.1197del on transcript NM_000297.4 (MANE Select); coding-DNA position 1197, one base deleted (A; older notation c.1197delA).
Protein change: p.Glu400fs; shifts the reading frame from glutamic acid 400.
Molecular consequence: frameshift variant. On other transcripts: non-coding transcript variant (1).
Genome position (GRCh38, 1-based): chr4:88,043,335, A deleted. VCF-style (leftmost placement, unchanged base first): chr4-88043334-GA-G. GRCh37 (hg19) VCF-style: chr4-88964486-GA-G.
Other names: short protein forms E400fs.
Identifiers: ClinVar variation 1699258 (VCV001699258.3), dbSNP rs2110112181, ClinGen allele CA2573131719.